The following is an entry in ClinVar:

ClinVar aggregate classification (germline): Conflicting classifications of pathogenicity. Review status: criteria provided, conflicting classifications (1 of 4 stars). 4 submissions from 4 submitters: Uncertain significance (3); Benign (1). Last evaluated 2025-08-13.

Conditions:
Bethlem myopathy 1A. Also called: Bethlem Muscular Dystrophy; Bethlem myopathy 1; MYOPATHY, BENIGN CONGENITAL, WITH CONTRACTURES. Identifiers: Orphanet 610, MedGen CN029274, MONDO:0024530, OMIM 158810.
Inborn genetic diseases. Identifiers: MedGen C0950123, MeSH D030342.

Allele frequency attached by ClinVar (database versions not stated): TOPMed 0.00002.
gnomAD v4.1: 38 of 1,611,704 alleles (0.0024%); highest among the groups gnomAD compares: South Asian, 0.0066%; no homozygotes.

Submissions (4):

Ambry Genetics
Classification: Uncertain significance for Inborn genetic diseases. Last evaluated: 2025-08-13. Review status: criteria provided, single submitter. Criteria: Ambry Variant Classification Scheme 2023. Collection method: clinical testing. Allele origin: germline.

GeneDx
Classification: Uncertain significance. Last evaluated: 2025-02-21. Review status: criteria provided, single submitter. Criteria: GeneDx Variant Classification Process June 2021. Collection method: clinical testing. Allele origin: germline. Affected: yes.
Comment: In silico analysis indicates that this missense variant does not alter protein structure/function; Has not been previously published as pathogenic or benign to our knowledge

Labcorp Genetics (formerly Invitae), Labcorp
Classification: Benign for Bethlem myopathy 1A. Last evaluated: 2022-07-26. Review status: criteria provided, single submitter. Criteria: Invitae Variant Classification Sherloc (09022015). Collection method: clinical testing. Allele origin: germline.

Eurofins Ntd Llc (ga)
Classification: Uncertain significance. Last evaluated: 2018-03-22. Review status: criteria provided, single submitter. Criteria: EGL ClinVar v180209 classification definitions. Collection method: clinical testing. Allele origin: germline. Observed: 1 variant allele, 1 heterozygote.

NM_001848.3(COL6A1):c.2050G>A (p.Val684Met)

Gene: COL6A1 (collagen type VI alpha 1 chain; plus strand). Cytogenetic location: 21q22.3.
Variant type: single nucleotide variant.
Coding change: c.2050G>A on transcript NM_001848.3 (MANE Select); coding-DNA position 2050, G replaced by A.
Protein change: p.Val684Met; replaces valine 684 with methionine.
Molecular consequence: missense variant.
Genome position (GRCh38, 1-based): chr21:46,002,054, G>A. VCF-style: chr21-46002054-G-A. GRCh37 (hg19) VCF-style: chr21-47421968-G-A.
Other names: short protein forms V684M.
Identifiers: ClinVar variation 596547 (VCV000596547.17), dbSNP rs138312247, ClinGen allele CA10070734.